The following is an entry in ClinVar:

NM_006767.4(LZTR1):c.790A>C (p.Thr264Pro)

Gene: LZTR1 (leucine zipper like post translational regulator 1; plus strand). Cytogenetic location: 22q11.21.
Variant type: single nucleotide variant.
Coding change: c.790A>C on transcript NM_006767.4 (MANE Select); coding-DNA position 790, A replaced by C.
Protein change: p.Thr264Pro; replaces threonine 264 with proline.
Molecular consequence: missense variant.
Genome position (GRCh38, 1-based): chr22:20,990,524, A>C. VCF-style: chr22-20990524-A-C. GRCh37 (hg19) VCF-style: chr22-21344813-A-C.
Other names: short protein forms T264P.
Identifiers: ClinVar variation 4859374 (VCV004859374.1).
Genomic context (GRCh38, chr22:20,990,524, plus strand): 5'-TCTGGGCAAAGCGGAGCCAAAATAACCAACAACCTCTTCCAGTTTGAATTCAAGGACAAG[A>C]CGTGAGTACTCTGGCCAGTGGGGTGGAGGGAGGACGGTCAGTTCCCTCGAATCCTTCTGA-3'
Protein context (NP_006758.2, residues 254-274): NLFQFEFKDK[Thr264Pro]WTRIPTEHLL

ClinVar aggregate classification (germline): Uncertain significance (1 of 4 stars; one submission).

Conditions:
Cardiovascular phenotype. Identifiers: MedGen CN230736.
Hereditary cancer-predisposing syndrome. Also called: Neoplastic Syndromes, Hereditary; Tumor predisposition; Hereditary Cancer Syndrome; Hereditary neoplastic syndrome. Identifiers: Orphanet 140162, MedGen C0027672, MeSH D009386, MONDO:0015356.

Submission:

Ambry Genetics
Classification: Uncertain significance for Cardiovascular phenotype; Hereditary cancer-predisposing syndrome. Last evaluated: 2026-04-10. Review status: criteria provided, single submitter. Criteria: Ambry Variant Classification Scheme 2023. Collection method: clinical testing. Allele origin: germline.
Comment: The p.T264P variant (also known as c.790A>C), located in coding exon 8 of the LZTR1 gene, results from an A to C substitution at nucleotide position 790. The threonine at codon 264 is replaced by proline, an amino acid with highly similar properties. This amino acid position is not well conserved in available vertebrate species. In addition, this alteration is predicted to be tolerated by in silico analysis. Based on the available evidence, the clinical significance of this variant remains unclear.